The following is an entry in ClinVar:

ClinVar aggregate classification (germline): Uncertain significance (1 of 4 stars; one submission).

Allele frequency attached by ClinVar (database versions not stated): gnomAD 0.00001; ExAC 0.00002; TOPMed 0.00002.
gnomAD v4.1: 71 of 1,614,040 alleles (0.0044%); highest among the groups gnomAD compares: Middle Eastern, 0.066%; no homozygotes.

Submission:

Labcorp Genetics (formerly Invitae), Labcorp
Classification: Uncertain significance. Last evaluated: 2025-06-23. Review status: criteria provided, single submitter. Criteria: Invitae Variant Classification Sherloc (09022015). Collection method: clinical testing. Allele origin: germline.
Comment: This sequence change replaces isoleucine, which is neutral and non-polar, with valine, which is neutral and non-polar, at codon 656 of the LRP6 protein (p.Ile656Val). This variant is present in population databases (rs749386666, gnomAD 0.007%). This variant has not been reported in the literature in individuals affected with LRP6-related conditions. ClinVar contains an entry for this variant (Variation ID: 2200738). Invitae Evidence Modeling of protein sequence and biophysical properties (such as structural, functional, and spatial information, amino acid conservation, physicochemical variation, residue mobility, and thermodynamic stability) indicates that this missense variant is not expected to disrupt LRP6 protein function with a negative predictive value of 80%. In summary, the available evidence is currently insufficient to determine the role of this variant in disease. Therefore, it has been classified as a Variant of Uncertain Significance.

NM_002336.3(LRP6):c.1966A>G (p.Ile656Val)

Gene: LRP6 (LDL receptor related protein 6; minus strand). Cytogenetic location: 12p13.2.
Variant type: single nucleotide variant.
Coding change: c.1966A>G on transcript NM_002336.3 (MANE Select); coding-DNA position 1966, A replaced by G.
Protein change: p.Ile656Val; replaces isoleucine 656 with valine.
Molecular consequence: missense variant.
Genome position (GRCh38, 1-based): chr12:12,164,359, T>C on the plus strand (A>G on the coding strand, the complement: LRP6 is on the minus strand). VCF-style: chr12-12164359-T-C. GRCh37 (hg19) VCF-style: chr12-12317293-T-C.
Other names: c.1966A>G, p.Ile656Val (NM_001414244.1, NM_001414245.1, NM_001414246.1 and 4 more transcripts); c.1768A>G, p.Ile590Val (NM_001414247.1); c.1513A>G, p.Ile505Val (NM_001414252.1, NM_001414253.1, NM_001414254.1); short protein forms I505V, I590V, I656V.
Identifiers: ClinVar variation 2200738 (VCV002200738.4), dbSNP rs749386666, ClinGen allele CA6455561.